The following is an entry in ClinVar:

ClinVar aggregate classification (germline): Uncertain significance (1 of 4 stars; one submission).

Conditions:
Progressive familial heart block type IB (PFHB1B). Identifiers: Orphanet 871, MedGen C1970298, MONDO:0011474, OMIM 604559.

Allele frequency attached by ClinVar (database versions not stated): gnomAD 0.00001; gnomAD exomes 0.00001; ExAC 0.00004.

Submission:

Labcorp Genetics (formerly Invitae), Labcorp
Classification: Uncertain significance for Progressive familial heart block type IB. Last evaluated: 2026-01-13. Review status: criteria provided, single submitter. Criteria: Invitae Variant Classification Sherloc (09022015). Collection method: clinical testing. Allele origin: germline.
Comment: This sequence change falls in intron 3 of the TRPM4 gene. It does not directly change the encoded amino acid sequence of the TRPM4 protein. The frequency data for this variant in the population databases is considered unreliable, as metrics indicate poor data quality at this position in the gnomAD database. This variant has not been reported in the literature in individuals affected with TRPM4-related conditions. ClinVar contains an entry for this variant (Variation ID: 1504723). Algorithms developed to predict the effect of sequence changes on RNA splicing suggest that this variant may disrupt the consensus splice site. In summary, the available evidence is currently insufficient to determine the role of this variant in disease. Therefore, it has been classified as a Variant of Uncertain Significance.

NM_017636.4(TRPM4):c.267+7C>T

Gene: TRPM4 (transient receptor potential cation channel subfamily M member 4; plus strand). Cytogenetic location: 19q13.33.
Variant type: single nucleotide variant.
Coding change: c.267+7C>T on transcript NM_017636.4 (MANE Select); 7 bases into the intron after coding-DNA position 267, C replaced by T.
Molecular consequence: intron variant.
Genome position (GRCh38, 1-based): chr19:49,166,222, C>T. VCF-style: chr19-49166222-C-T. GRCh37 (hg19) VCF-style: chr19-49669479-C-T.
Other names: c.267+7C>T (NM_001195227.2, NM_001321281.2); c.-1106+7C>T (NM_001321282.2); c.-74-2038C>T (NM_001321283.2); c.-237-2331C>T (NM_001321285.2).
Identifiers: ClinVar variation 1504723 (VCV001504723.8), dbSNP rs764056121, ClinGen allele CA9568744.